The following is an entry in ClinVar:

ClinVar aggregate classification (germline): Likely benign (1 of 4 stars; one submission).

Conditions:
Cardiomyopathy (CMYO). Also called: Cardiomyopathies. Identifiers: Orphanet 167848, MedGen C0878544, MONDO:0004994, HP:0001638. Inheritance: Various modes of inheritance.

Allele frequency attached by ClinVar (database versions not stated): gnomAD exomes below 0.00001.
gnomAD v4.1: 1 of 1,613,098 alleles (0.000062%); highest among the groups gnomAD compares: Middle Eastern, 0.016%; no homozygotes.

Submission:

All of Us Research Program, National Institutes of Health
Classification: Likely benign for Cardiomyopathy. Last evaluated: 2023-08-15. Review status: criteria provided, single submitter. Criteria: ACMG Guidelines, 2015. Collection method: clinical testing. Allele origin: germline. Inheritance: Autosomal dominant inheritance. Observed: 1 variant allele, 1 heterozygote.
Comment: This study involves interpretation of variants in research participants for the purpose of population health screening. Participant phenotype was not available at the time of variant classification. Additional details can be found in publication PMID: 35346344, PMCID: PMC8962531

NM_001276345.2(TNNT2):c.490-15C>T

Gene: TNNT2 (troponin T2, cardiac type; minus strand). Cytogenetic location: 1q32.1.
Variant type: single nucleotide variant.
Coding change: c.490-15C>T on transcript NM_001276345.2 (MANE Select); 15 bases into the intron before coding-DNA position 490, C replaced by T.
Molecular consequence: intron variant.
Genome position (GRCh38, 1-based): chr1:201,363,421, G>A on the plus strand (C>T on the coding strand, the complement: TNNT2 is on the minus strand). VCF-style: chr1-201363421-G-A. GRCh37 (hg19) VCF-style: chr1-201332549-G-A.
Other names: c.460-15C>T (NM_001406727.1, NM_001406724.1, NM_001001431.3 and 3 more transcripts); c.445-15C>T (NM_001001432.3, NM_001406728.1); c.457-15C>T (NM_001406725.1); c.370-15C>T (NM_001276346.2); c.490-15C>T (NM_000364.4, NM_001406723.1).
Identifiers: ClinVar variation 3072936 (VCV003072936.1), dbSNP rs2526978380, ClinGen allele CA2649787495.